The following is an entry in ClinVar:

NM_004655.4(AXIN2):c.2428G>T (p.Asp810Tyr)

Gene: AXIN2 (axin 2; minus strand). Cytogenetic location: 17q24.1.
Variant type: single nucleotide variant.
Coding change: c.2428G>T on transcript NM_004655.4 (MANE Select); coding-DNA position 2428, G replaced by T.
Protein change: p.Asp810Tyr; replaces aspartic acid 810 with tyrosine.
Molecular consequence: missense variant.
Genome position (GRCh38, 1-based): chr17:65,530,080, C>A on the plus strand (G>T on the coding strand, the complement: AXIN2 is on the minus strand). VCF-style: chr17-65530080-C-A. GRCh37 (hg19) VCF-style: chr17-63526198-C-A.
Other names: c.2233G>T, p.Asp745Tyr (NM_001363813.1); short protein forms D810Y, D745Y.
Identifiers: ClinVar variation 857256 (VCV000857256.9), dbSNP rs140344858, ClinGen allele CA400674936.

ClinVar aggregate classification (germline): Uncertain significance (1 of 4 stars; one submission).

Conditions:
Oligodontia-cancer predisposition syndrome. Also called: TOOTH AGENESIS-COLORECTAL CANCER SYNDROME. Identifiers: Orphanet 300576, MedGen C1837750, MONDO:0012075, OMIM 608615. Disease mechanism: loss of function.

Submission:

Labcorp Genetics (formerly Invitae), Labcorp
Classification: Uncertain significance for Oligodontia-cancer predisposition syndrome. Last evaluated: 2023-02-11. Review status: criteria provided, single submitter. Criteria: Invitae Variant Classification Sherloc (09022015). Collection method: clinical testing. Allele origin: germline.
Comment: ClinVar contains an entry for this variant (Variation ID: 857256). This sequence change replaces aspartic acid, which is acidic and polar, with tyrosine, which is neutral and polar, at codon 810 of the AXIN2 protein (p.Asp810Tyr). This variant is not present in population databases (gnomAD no frequency). This variant has not been reported in the literature in individuals affected with AXIN2-related conditions. Advanced modeling of protein sequence and biophysical properties (such as structural, functional, and spatial information, amino acid conservation, physicochemical variation, residue mobility, and thermodynamic stability) performed at Invitae indicates that this missense variant is expected to disrupt AXIN2 protein function. In summary, the available evidence is currently insufficient to determine the role of this variant in disease. Therefore, it has been classified as a Variant of Uncertain Significance.